The following is an entry in ClinVar:

NM_001365999.1(SZT2):c.184A>G (p.Ser62Gly)

Gene: SZT2 (SZT2 subunit of KICSTOR complex; plus strand). Cytogenetic location: 1p34.2.
Variant type: single nucleotide variant.
Coding change: c.184A>G on transcript NM_001365999.1 (MANE Select); coding-DNA position 184, A replaced by G.
Protein change: p.Ser62Gly; replaces serine 62 with glycine.
Molecular consequence: missense variant.
Genome position (GRCh38, 1-based): chr1:43,403,631, A>G. VCF-style: chr1-43403631-A-G. GRCh37 (hg19) VCF-style: chr1-43869302-A-G.
Other names: c.184A>G, p.Ser62Gly (NM_015284.4); short protein forms S62G.
Identifiers: ClinVar variation 450662 (VCV000450662.2), dbSNP rs1553138470, ClinGen allele CA339995705.

ClinVar aggregate classification (germline): Uncertain significance (1 of 4 stars; one submission).

Submission:

GeneDx
Classification: Uncertain significance. Last evaluated: 2017-07-19. Review status: criteria provided, single submitter. Criteria: GeneDx Variant Classification (06012015). Collection method: clinical testing. Allele origin: germline. Affected: yes.
Comment: The S62G variant in the SZT2 gene has not been reported previously as a pathogenic variant, nor as a benign variant, to our knowledge. The S62G variant is not observed in large population cohorts (Lek et al., 2016; 1000 Genomes Consortium et al., 2015; Exome Variant Server). The S62G variant is a non-conservative amino acid substitution, which is likely to impact secondary protein structure as these residues differ in polarity, charge, size and/or other properties. This substitution occurs at a position that is conserved across species. In silico analysis is inconsistent in its predictions as to whether or not the variant is damaging to the protein structure/function. We interpret S62G as a variant of uncertain significance.